The following is an entry in ClinVar:

ClinVar aggregate classification (germline): Uncertain significance (1 of 4 stars; one submission).

Allele frequency attached by ClinVar (database versions not stated): gnomAD exomes below 0.00001; gnomAD 0.00001.

Submission:

Labcorp Genetics (formerly Invitae), Labcorp
Classification: Uncertain significance. Last evaluated: 2022-03-31. Review status: criteria provided, single submitter. Criteria: Invitae Variant Classification Sherloc (09022015). Collection method: clinical testing. Allele origin: germline.
Comment: This variant is not present in population databases (gnomAD no frequency). This sequence change replaces arginine, which is basic and polar, with glutamine, which is neutral and polar, at codon 634 of the SPTBN2 protein (p.Arg634Gln). This variant has not been reported in the literature in individuals affected with SPTBN2-related conditions. In summary, the available evidence is currently insufficient to determine the role of this variant in disease. Therefore, it has been classified as a Variant of Uncertain Significance. Advanced modeling of protein sequence and biophysical properties (such as structural, functional, and spatial information, amino acid conservation, physicochemical variation, residue mobility, and thermodynamic stability) performed at Invitae indicates that this missense variant is not expected to disrupt SPTBN2 protein function.

NM_006946.4(SPTBN2):c.1901G>A (p.Arg634Gln)

Gene: SPTBN2 (spectrin beta, non-erythrocytic 2; minus strand). Cytogenetic location: 11q13.2.
Variant type: single nucleotide variant.
Coding change: c.1901G>A on transcript NM_006946.4 (MANE Select); coding-DNA position 1901, G replaced by A.
Protein change: p.Arg634Gln; replaces arginine 634 with glutamine.
Molecular consequence: missense variant.
Genome position (GRCh38, 1-based): chr11:66,705,375, C>T on the plus strand (G>A on the coding strand, the complement: SPTBN2 is on the minus strand). VCF-style: chr11-66705375-C-T. GRCh37 (hg19) VCF-style: chr11-66472846-C-T.
Other names: c.1922G>A, p.Arg641Gln (NM_001411025.1); short protein forms R634Q, R641Q.
Identifiers: ClinVar variation 2099524 (VCV002099524.4), dbSNP rs1941484854, ClinGen allele CA381479440.